The following is an entry in ClinVar:

NM_000038.6(APC):c.*7G>C

Gene: APC (APC regulator of Wnt signaling pathway; plus strand). Cytogenetic location: 5q22.2.
Variant type: single nucleotide variant.
Coding change: c.*7G>C on transcript NM_000038.6 (MANE Select); 7 bases downstream of the stop codon, G replaced by C.
Molecular consequence: 3 prime UTR variant. On other transcripts: non-coding transcript variant (2).
Genome position (GRCh38, 1-based): chr5:112,844,133, G>C. VCF-style: chr5-112844133-G-C. GRCh37 (hg19) VCF-style: chr5-112179830-G-C.
Other names: c.*7G>C (NM_001127510.3, NM_001127511.3, NM_001354895.2 and 31 more transcripts).
Identifiers: ClinVar variation 3378914 (VCV003378914.1).
Genomic context (GRCh38, chr5:112,844,133, plus strand): 5'-GGAACCCAAAGTCCTAAGCGCCATTCTGGGTCTTACCTTGTGACATCTGTTTAAAAGAGA[G>C]GAAGAATGAAACTAAGAAAATTCTATGTTAATTACAACTGCTATATAGACATTTTGTTTC-3'

ClinVar aggregate classification (germline): Benign (1 of 4 stars; one submission).

Conditions:
Familial adenomatous polyposis 1 (FAP1). Also called: FAMILIAL ADENOMATOUS POLYPOSIS 1, ATTENUATED; POLYPOSIS, ADENOMATOUS INTESTINAL. Identifiers: MedGen C2713442, MONDO:0021056, OMIM 175100. Disease mechanism: loss of function.

Submission:

Myriad Genetics, Inc.
Classification: Benign for Familial adenomatous polyposis 1. Last evaluated: 2024-09-30. Review status: criteria provided, single submitter. Criteria: Myriad Autosomal Dominant, Autosomal Recessive and X-Linked Classification Criteria (2023). Collection method: clinical testing. Allele origin: unknown.
Comment: This variant is considered benign. This variant occurs in the non-coding 3' untranslated region of the gene, and is not expected to impact protein function.